The following is an entry in ClinVar:

ClinVar aggregate classification (germline): Uncertain significance (1 of 4 stars; one submission).

Conditions:
2-aminoadipic 2-oxoadipic aciduria (AAKAD). Also called: Aminoadipic aciduria; ALPHA-AMINOADIPIC AND ALPHA-KETOADIPIC ACIDURIA. Identifiers: Orphanet 79154, MedGen C1859817, MONDO:0008774, OMIM 204750.

Submission:

Labcorp Genetics (formerly Invitae), Labcorp
Classification: Uncertain significance for 2-aminoadipic 2-oxoadipic aciduria. Last evaluated: 2024-03-28. Review status: criteria provided, single submitter. Criteria: Invitae Variant Classification Sherloc (09022015). Collection method: clinical testing. Allele origin: germline.
Comment: This sequence change replaces phenylalanine, which is neutral and non-polar, with serine, which is neutral and polar, at codon 587 of the DHTKD1 protein (p.Phe587Ser). This variant is not present in population databases (gnomAD no frequency). This variant has not been reported in the literature in individuals affected with DHTKD1-related conditions. Advanced modeling of protein sequence and biophysical properties (such as structural, functional, and spatial information, amino acid conservation, physicochemical variation, residue mobility, and thermodynamic stability) performed at Invitae indicates that this missense variant is not expected to disrupt DHTKD1 protein function with a negative predictive value of 80%. In summary, the available evidence is currently insufficient to determine the role of this variant in disease. Therefore, it has been classified as a Variant of Uncertain Significance.

NM_018706.7(DHTKD1):c.1760T>C (p.Phe587Ser)

Gene: DHTKD1 (dehydrogenase E1 and transketolase domain containing 1; plus strand). Cytogenetic location: 10p14.
Variant type: single nucleotide variant.
Coding change: c.1760T>C on transcript NM_018706.7 (MANE Select); coding-DNA position 1760, T replaced by C.
Protein change: p.Phe587Ser; replaces phenylalanine 587 with serine.
Molecular consequence: missense variant.
Genome position (GRCh38, 1-based): chr10:12,101,045, T>C. VCF-style: chr10-12101045-T-C. GRCh37 (hg19) VCF-style: chr10-12143044-T-C.
Other names: short protein forms F587S.
Identifiers: ClinVar variation 3689841 (VCV003689841.2).